The following is an entry in ClinVar:

ClinVar aggregate classification (germline): Likely pathogenic (1 of 4 stars; one submission).

Submission:

GeneDx
Classification: Likely pathogenic. Last evaluated: 2017-09-18. Review status: criteria provided, single submitter. Criteria: GeneDx Variant Classification (06012015). Collection method: clinical testing. Allele origin: germline. Affected: yes.
Comment: The S2215P variant in the MTOR gene has not been reported previously as a pathogenic variant, nor as a benign variant, to our knowledge. The S2215P variant is not observed in large population cohorts (Lek et al., 2016; 1000 Genomes Consortium et al., 2015; Exome Variant Server). The S2215P variant is a non-conservative amino acid substitution, which is likely to impact secondary protein structure as these residues differ in polarity, charge, size and/or other properties. This substitution occurs at a position that is conserved across species. In silico analysis predicts this variant is probably damaging to the protein structure/function. We interpret S2215P as a likely pathogenic variant

NM_004958.4(MTOR):c.6643T>C (p.Ser2215Pro)

Gene: MTOR (mechanistic target of rapamycin kinase; minus strand). Cytogenetic location: 1p36.22.
Variant type: single nucleotide variant.
Coding change: c.6643T>C on transcript NM_004958.4 (MANE Select); coding-DNA position 6643, T replaced by C.
Protein change: p.Ser2215Pro; replaces serine 2215 with proline.
Molecular consequence: missense variant.
Genome position (GRCh38, 1-based): chr1:11,124,517, A>G on the plus strand (T>C on the coding strand, the complement: MTOR is on the minus strand). VCF-style: chr1-11124517-A-G. GRCh37 (hg19) VCF-style: chr1-11184574-A-G.
Other names: c.6643T>C (LRG_734t1); short protein forms S2215P.
Identifiers: ClinVar variation 451914 (VCV000451914.2), dbSNP rs1057519917, ClinGen allele CA338387279.